The following is an entry in ClinVar:

ClinVar aggregate classification (germline): Uncertain significance (1 of 4 stars; one submission).

Conditions:
Inborn genetic diseases. Identifiers: MedGen C0950123, MeSH D030342.

Submission:

Ambry Genetics
Classification: Uncertain significance for Inborn genetic diseases. Last evaluated: 2020-05-14. Review status: criteria provided, single submitter. Criteria: Ambry Variant Classification Scheme 2023. Collection method: clinical testing. Allele origin: germline.
Comment: The p.L727I variant (also known as c.2179C>A), located in coding exon 16 of the MFN2 gene, results from a C to A substitution at nucleotide position 2179. The leucine at codon 727 is replaced by isoleucine, an amino acid with highly similar properties. This amino acid position is highly conserved in available vertebrate species. In addition, the in silico prediction for this alteration is inconclusive. Since supporting evidence is limited at this time, the clinical significance of this alteration remains unclear.

NM_014874.4(MFN2):c.2179C>A (p.Leu727Ile)

Gene: MFN2 (mitofusin 2; plus strand). Cytogenetic location: 1p36.22.
Variant type: single nucleotide variant.
Coding change: c.2179C>A on transcript NM_014874.4 (MANE Select); coding-DNA position 2179, C replaced by A.
Protein change: p.Leu727Ile; replaces leucine 727 with isoleucine.
Molecular consequence: missense variant.
Genome position (GRCh38, 1-based): chr1:12,009,701, C>A. VCF-style: chr1-12009701-C-A. GRCh37 (hg19) VCF-style: chr1-12069758-C-A.
Other names: c.2179C>A, p.Leu727Ile (NM_001127660.2); short protein forms L727I.
Identifiers: ClinVar variation 1787223 (VCV001787223.2), dbSNP rs1639604481, ClinGen allele CA338453327.
Genomic context (GRCh38, chr1:12,009,701, plus strand): 5'-CGGGAGAACCTGGAGCAGGAAATTGCCGCCATGAACAAGAAAATTGAGGTTCTTGACTCA[C>A]TTCAGAGCAAAGCAAAGCTGCTCAGGTGAGGCTGGCCCGTGTGGCCAAAGGTTAGGGCTC-3'
Protein context (NP_055689.1, residues 717-737): MNKKIEVLDS[Leu727Ile]QSKAKLLRNK